The following is an entry in ClinVar:

NM_006725.5(CD6):c.1362G>A (p.Pro454=)

Gene: CD6 (CD6 molecule; plus strand). Cytogenetic location: 11q12.2.
Variant type: single nucleotide variant.
Coding change: c.1362G>A on transcript NM_006725.5 (MANE Select); coding-DNA position 1362, G replaced by A.
Protein change: p.Pro454=; no amino-acid change (proline 454 retained).
Molecular consequence: synonymous variant. On other transcripts: non-coding transcript variant (1), intron variant (1).
Genome position (GRCh38, 1-based): chr11:61,013,989, G>A. VCF-style: chr11-61013989-G-A. GRCh37 (hg19) VCF-style: chr11-60781461-G-A.
Other names: c.1362G>A, p.Pro454= (NM_001254751.2); c.1291+426G>A (NM_001254750.2).
Identifiers: ClinVar variation 3042003 (VCV003042003.2), dbSNP rs376880399, ClinGen allele CA6030175.

ClinVar aggregate classification (germline): Likely benign (0 of 4 stars; one submission).

Conditions:
CD6-related disorder. Also called: CD6-related condition.

Allele frequency attached by ClinVar (database versions not stated): ESP Exome Variant Server 0.00008; ExAC 0.00009; gnomAD 0.00019; TOPMed 0.00020.
gnomAD v4.1: 527 of 1,613,198 alleles (0.033%); highest among the groups gnomAD compares: Non-Finnish European, 0.042%; no homozygotes.

Submission:

PreventionGenetics, part of Exact Sciences
Classification: Likely benign for CD6-related condition. Last evaluated: 2019-03-07. Review status: no assertion criteria provided. Collection method: clinical testing. Allele origin: germline.
Comment: This variant is classified as likely benign based on ACMG/AMP sequence variant interpretation guidelines (Richards et al. 2015 PMID: 25741868, with internal and published modifications).